The following is an entry in ClinVar:

NM_004168.4(SDHA):c.1337T>G (p.Val446Gly)

Gene: SDHA (succinate dehydrogenase complex flavoprotein subunit A; plus strand). Cytogenetic location: 5p15.33.
Variant type: single nucleotide variant.
Coding change: c.1337T>G on transcript NM_004168.4 (MANE Select); coding-DNA position 1337, T replaced by G.
Protein change: p.Val446Gly; replaces valine 446 with glycine.
Molecular consequence: missense variant.
Genome position (GRCh38, 1-based): chr5:236,504, T>G. VCF-style: chr5-236504-T-G. GRCh37 (hg19) VCF-style: chr5-236619-T-G.
Other names: c.1193T>G, p.Val398Gly (NM_001294332.2); c.1337T>G, p.Val446Gly (NM_001330758.2); short protein forms V398G, V446G.
Identifiers: ClinVar variation 4789760 (VCV004789760.1).
Genomic context (GRCh38, chr5:236,504, plus strand): 5'-ATGGCCAGGATCAGATTGTGCCCGGCCTGTACGCCTGTGGGGAGGCCGCCTGTGCCTCGG[T>G]ACATGGTGCCAACCGCCTCGGGGCAAACTCGCTCTTGGACCTGGTTGTCTTTGGTCGGGC-3'
Protein context (NP_004159.2, residues 436-456): YACGEAACAS[Val446Gly]HGANRLGANS

ClinVar aggregate classification (germline): Uncertain significance (1 of 4 stars; one submission).

Conditions:
Mitochondrial complex II deficiency, nuclear type 1. Also called: SUCCINATE CoQ REDUCTASE DEFICIENCY. Identifiers: Orphanet 3208, MedGen C5700310, MONDO:0100294, OMIM 252011.
Pheochromocytoma/paraganglioma syndrome 5. Also called: Paragangliomas 5; SDHA-Related Hereditary Paraganglioma-Pheochromocytoma Syndrome. Identifiers: Orphanet 29072, MedGen C3279992, MONDO:0013602, OMIM 614165.

Submission:

Labcorp Genetics (formerly Invitae), Labcorp
Classification: Uncertain significance for Pheochromocytoma/paraganglioma syndrome 5; Mitochondrial complex II deficiency, nuclear type 1. Last evaluated: 2025-07-20. Review status: criteria provided, single submitter. Criteria: Invitae Variant Classification Sherloc (09022015). Collection method: clinical testing. Allele origin: germline.
Comment: This sequence change replaces valine, which is neutral and non-polar, with glycine, which is neutral and non-polar, at codon 446 of the SDHA protein (p.Val446Gly). This variant is not present in population databases (gnomAD no frequency). This variant has not been reported in the literature in individuals affected with SDHA-related conditions. Invitae Evidence Modeling of protein sequence and biophysical properties (such as structural, functional, and spatial information, amino acid conservation, physicochemical variation, residue mobility, and thermodynamic stability) has been performed for this missense variant. However, the output from this modeling did not meet the statistical confidence thresholds required to predict the impact of this variant on SDHA protein function. In summary, the available evidence is currently insufficient to determine the role of this variant in disease. Therefore, it has been classified as a Variant of Uncertain Significance.